The following is an entry in ClinVar:

NM_213599.3(ANO5):c.2235+6T>C

Gene: ANO5 (anoctamin 5; plus strand). Cytogenetic location: 11p14.3.
Variant type: single nucleotide variant.
Coding change: c.2235+6T>C on transcript NM_213599.3 (MANE Select); 6 bases into the intron after coding-DNA position 2235, T replaced by C.
Molecular consequence: intron variant.
Genome position (GRCh38, 1-based): chr11:22,272,995, T>C. VCF-style: chr11-22272995-T-C. GRCh37 (hg19) VCF-style: chr11-22294541-T-C.
Other names: c.2232+6T>C (NM_001142649.2).
Identifiers: ClinVar variation 1019382 (VCV001019382.9), dbSNP rs1246421086, ClinGen allele CA1957403217.

ClinVar aggregate classification (germline): Uncertain significance (1 of 4 stars; one submission).

Conditions:
Autosomal recessive limb-girdle muscular dystrophy type 2L (LGMDR12). Also called: MUSCULAR DYSTROPHY, LIMB-GIRDLE, AUTOSOMAL RECESSIVE 12; Limb-Girdle Muscular Dystrophy R12 Anoctamin-5-Related (LGMD-R12); Limb-girdle muscular dystrophy, type 2L. Identifiers: Orphanet 206549, MedGen C1969785, MONDO:0012652, OMIM 611307.
Gnathodiaphyseal dysplasia (GDD). Also called: GNATHODIAPHYSEAL SCLEROSIS; OSTEOGENESIS IMPERFECTA WITH UNUSUAL SKELETAL LESIONS. Identifiers: Orphanet 53697, MedGen C1833736, MONDO:0008151, OMIM 166260.

gnomAD v4.1: 1 of 1,613,194 alleles (0.000062%); highest among the groups gnomAD compares: Non-Finnish European, 0.000085%; no homozygotes.

Submission:

Labcorp Genetics (formerly Invitae), Labcorp
Classification: Uncertain significance for Autosomal recessive limb-girdle muscular dystrophy type 2L; Gnathodiaphyseal dysplasia. Last evaluated: 2025-04-03. Review status: criteria provided, single submitter. Criteria: Invitae Variant Classification Sherloc (09022015). Collection method: clinical testing. Allele origin: germline.
Comment: This sequence change falls in intron 19 of the ANO5 gene. It does not directly change the encoded amino acid sequence of the ANO5 protein. It affects a nucleotide within the consensus splice site. This variant is not present in population databases (gnomAD no frequency). This variant has not been reported in the literature in individuals affected with ANO5-related conditions. ClinVar contains an entry for this variant (Variation ID: 1019382). Variants that disrupt the consensus splice site are a relatively common cause of aberrant splicing (PMID: 17576681, 9536098). Algorithms developed to predict the effect of sequence changes on RNA splicing suggest that this variant may disrupt the consensus splice site. In summary, the available evidence is currently insufficient to determine the role of this variant in disease. Therefore, it has been classified as a Variant of Uncertain Significance.

Literature cited by the submitters: PubMed 17576681; PubMed 9536098.